The following is an entry in ClinVar:

ClinVar aggregate classification (germline): Uncertain significance. Review status: criteria provided, multiple submitters, no conflicts (2 of 4 stars). 3 submissions from 3 submitters: Uncertain significance (3). Last evaluated 2022-07-26.

Allele frequency attached by ClinVar (database versions not stated): gnomAD 0.00002 and 0.00003; TOPMed 0.00002; gnomAD exomes 0.00003 and 0.00004; ExAC 0.00006; 1000 Genomes Project 30x 0.00016; 1000 Genomes Project 0.00020.

Submissions (3):

Labcorp Genetics (formerly Invitae), Labcorp
Classification: Uncertain significance. Last evaluated: 2022-07-26. Review status: criteria provided, single submitter. Criteria: Invitae Variant Classification Sherloc (09022015). Collection method: clinical testing. Allele origin: germline.
Comment: This sequence change replaces valine, which is neutral and non-polar, with methionine, which is neutral and non-polar, at codon 30 of the ABCA4 protein (p.Val30Met). This variant is present in population databases (rs202127496, gnomAD 0.02%). This variant has not been reported in the literature in individuals affected with ABCA4-related conditions. ClinVar contains an entry for this variant (Variation ID: 493047). Advanced modeling of protein sequence and biophysical properties (such as structural, functional, and spatial information, amino acid conservation, physicochemical variation, residue mobility, and thermodynamic stability) performed at Invitae indicates that this missense variant is not expected to disrupt ABCA4 protein function. In summary, the available evidence is currently insufficient to determine the role of this variant in disease. Therefore, it has been classified as a Variant of Uncertain Significance.

Blueprint Genetics
Classification: Uncertain significance. Last evaluated: 2022-03-28. Review status: criteria provided, single submitter. Criteria: ACMG Guidelines, 2015. Collection method: clinical testing. Allele origin: germline.

CeGaT Center for Human Genetics Tuebingen
Classification: Uncertain significance. Last evaluated: 2019-01-01. Review status: criteria provided, single submitter. Criteria: CeGaT Center For Human Genetics Tuebingen Variant Classification Criteria Version 2. Collection method: clinical testing. Allele origin: germline. Affected: yes. Observed: 2 variant alleles.

NM_000350.3(ABCA4):c.88G>A (p.Val30Met)

Gene: ABCA4 (ATP binding cassette subfamily A member 4; minus strand). Cytogenetic location: 1p22.1.
Variant type: single nucleotide variant.
Coding change: c.88G>A on transcript NM_000350.3 (MANE Select); coding-DNA position 88, G replaced by A.
Protein change: p.Val30Met; replaces valine 30 with methionine.
Molecular consequence: missense variant.
Genome position (GRCh38, 1-based): chr1:94,113,045, C>T on the plus strand (G>A on the coding strand, the complement: ABCA4 is on the minus strand). VCF-style: chr1-94113045-C-T. GRCh37 (hg19) VCF-style: chr1-94578601-C-T.
Other names: c.88G>A, p.Val30Met (NM_001425324.1); short protein forms V30M.
Identifiers: ClinVar variation 493047 (VCV000493047.45), dbSNP rs202127496, ClinGen allele CA958936.